The following is an entry in ClinVar:

NM_001042681.2(RERE):c.191A>G (p.Asn64Ser)

Gene: RERE (arginine-glutamic acid dipeptide repeats; minus strand). Cytogenetic location: 1p36.23.
Variant type: single nucleotide variant.
Coding change: c.191A>G on transcript NM_001042681.2 (MANE Select); coding-DNA position 191, A replaced by G.
Protein change: p.Asn64Ser; replaces asparagine 64 with serine.
Molecular consequence: missense variant.
Genome position (GRCh38, 1-based): chr1:8,656,107, T>C on the plus strand (A>G on the coding strand, the complement: RERE is on the minus strand). VCF-style: chr1-8656107-T-C. GRCh37 (hg19) VCF-style: chr1-8716166-T-C.
Other names: c.191A>G, p.Asn64Ser (NM_012102.4); c.191A>G (NM_012102.3); short protein forms N64S.
Identifiers: ClinVar variation 3375057 (VCV003375057.2).

ClinVar aggregate classification (germline): Conflicting classifications of pathogenicity. Review status: criteria provided, conflicting classifications (1 of 4 stars). 2 submissions from 2 submitters: Uncertain significance (1); Likely benign (1). Last evaluated 2025-01-29.

Conditions:
Inborn genetic diseases. Identifiers: MedGen C0950123, MeSH D030342.

gnomAD v4.1: 38 of 1,614,016 alleles (0.0024%); highest among the groups gnomAD compares: African/African-American, 0.012%; no homozygotes.

Submissions (2):

Ambry Genetics
Classification: Likely benign for Inborn genetic diseases. Last evaluated: 2025-01-29. Review status: criteria provided, single submitter. Criteria: Ambry Variant Classification Scheme 2023. Collection method: clinical testing. Allele origin: germline.

Women's Health and Genetics/Laboratory Corporation of America, LabCorp
Classification: Uncertain significance. Last evaluated: 2024-09-04. Review status: criteria provided, single submitter. Criteria: LabCorp Variant Classification Summary - May 2015. Collection method: clinical testing. Allele origin: germline.
Comment: Variant summary: RERE c.191A>G (p.Asn64Ser) results in a conservative amino acid change in the encoded protein sequence. Five of five in-silico tools predict a benign effect of the variant on protein function. The variant allele was found at a frequency of 1.6e-05 in 251482 control chromosomes (gnomAD). The available data on variant occurrences in the general population are insufficient to allow any conclusion about variant significance. To our knowledge, no occurrence of c.191A>G in individuals affected with Neurodevelopmental Disorder With Or Without Anomalies Of The Brain, Eye, Or Heart and no experimental evidence demonstrating its impact on protein function have been reported. No submitters have cited clinical-significance assessments for this variant to ClinVar. Based on the evidence outlined above, the variant was classified as uncertain significance.